The following is an entry in ClinVar:

ClinVar aggregate classification (germline): Pathogenic (1 of 4 stars; one submission).

Submission:

Labcorp Genetics (formerly Invitae), Labcorp
Classification: Pathogenic. Last evaluated: 2019-09-24. Review status: criteria provided, single submitter. Criteria: Invitae Variant Classification Sherloc (09022015). Collection method: clinical testing. Allele origin: germline.
Comment: For these reasons, this variant has been classified as Pathogenic. Loss-of-function variants in PHEX are known to be pathogenic (PMID: 9097956, 9106524, 19219621). This variant has not been reported in the literature in individuals with PHEX-related conditions. This variant is not present in population databases (ExAC no frequency). This sequence change creates a premature translational stop signal (p.Thr11Argfs*19) in the PHEX gene. It is expected to result in an absent or disrupted protein product.

Literature cited by the submitters: PubMed 9097956; PubMed 9106524; PubMed 19219621.

NM_000444.6(PHEX):c.30_36del (p.Thr11fs)

Gene: PHEX (phosphate regulating endopeptidase X-linked; plus strand). Cytogenetic location: Xp22.11.
Variant type: Deletion.
Coding change: c.30_36del on transcript NM_000444.6 (MANE Select); coding-DNA positions 30 to 36, 7 bases deleted (GACTGGA; older notation c.30_36delGACTGGA).
Protein change: p.Thr11fs; shifts the reading frame from threonine 11.
Molecular consequence: frameshift variant.
Genome position (GRCh38, 1-based): chrX:22,033,035-22,033,041, GACTGGA deleted; deleting any 7 consecutive bases within chrX:22,033,031-22,033,041 gives the same sequence; the c. name uses the placement nearest the transcript's 3' end. VCF-style (leftmost placement, unchanged base first): chrX-22033030-GTGGAGAC-G. GRCh37 (hg19) VCF-style: chrX-22051148-GTGGAGAC-G.
Other names: c.30_36del, p.Thr11fs (NM_001282754.2); short protein forms T11fs.
Identifiers: ClinVar variation 937183 (VCV000937183.8), dbSNP rs1926867732, ClinGen allele CA1139667271.